The following is an entry in ClinVar:

NM_000795.4(DRD2):c.449G>A (p.Arg150His)

Gene: DRD2 (dopamine receptor D2; minus strand). Cytogenetic location: 11q23.2.
Variant type: single nucleotide variant.
Coding change: c.449G>A on transcript NM_000795.4 (MANE Select); coding-DNA position 449, G replaced by A.
Protein change: p.Arg150His; replaces arginine 150 with histidine.
Molecular consequence: missense variant.
Genome position (GRCh38, 1-based): chr11:113,416,946, C>T on the plus strand (G>A on the coding strand, the complement: DRD2 is on the minus strand). VCF-style: chr11-113416946-C-T. GRCh37 (hg19) VCF-style: chr11-113287668-C-T.
Other names: c.449G>A, p.Arg150His (NM_016574.4); short protein forms R150H.
Identifiers: ClinVar variation 2885737 (VCV002885737.3), dbSNP rs199517364, ClinGen allele CA6281385.

ClinVar aggregate classification (germline): Uncertain significance (1 of 4 stars; one submission).

Conditions:
Dystonic disorder. Also called: Dystonia. Identifiers: MedGen C0013421, MONDO:0003441, HP:0001332.

Allele frequency attached by ClinVar (database versions not stated): gnomAD 0.00001; TOPMed 0.00001; ExAC 0.00004; 1000 Genomes Project 30x 0.00016; 1000 Genomes Project 0.00020.
gnomAD v4.1: 28 of 1,614,126 alleles (0.0017%); highest among the groups gnomAD compares: South Asian, 0.0044%; no homozygotes.

Submission:

Labcorp Genetics (formerly Invitae), Labcorp
Classification: Uncertain significance for Dystonic disorder. Last evaluated: 2023-08-25. Review status: criteria provided, single submitter. Criteria: Invitae Variant Classification Sherloc (09022015). Collection method: clinical testing. Allele origin: germline.
Comment: This variant has not been reported in the literature in individuals affected with DRD2-related conditions. An algorithm developed to predict the effect of missense changes on protein structure and function (PolyPhen-2) suggests that this variant is likely to be disruptive. In summary, the available evidence is currently insufficient to determine the role of this variant in disease. Therefore, it has been classified as a Variant of Uncertain Significance. This variant is present in population databases (rs199517364, gnomAD 0.007%). This sequence change replaces arginine, which is basic and polar, with histidine, which is basic and polar, at codon 150 of the DRD2 protein (p.Arg150His).